The following is an entry in ClinVar:

ClinVar aggregate classification (germline): Uncertain significance (1 of 4 stars; one submission).

Submission:

Labcorp Genetics (formerly Invitae), Labcorp
Classification: Uncertain significance. Last evaluated: 2021-08-04. Review status: criteria provided, single submitter. Criteria: Invitae Variant Classification Sherloc (09022015). Collection method: clinical testing. Allele origin: germline.
Comment: This sequence change replaces arginine with leucine at codon 1630 of the POLE protein (p.Arg1630Leu). The arginine residue is highly conserved and there is a moderate physicochemical difference between arginine and leucine. This variant is not present in population databases (ExAC no frequency). This variant has not been reported in the literature in individuals with POLE-related conditions. Algorithms developed to predict the effect of missense changes on protein structure and function (SIFT, PolyPhen-2, Align-GVGD) all suggest that this variant is likely to be disruptive, but these predictions have not been confirmed by published functional studies and their clinical significance is uncertain. In summary, the available evidence is currently insufficient to determine the role of this variant in disease. Therefore, it has been classified as a Variant of Uncertain Significance.

NM_006231.4(POLE):c.4889G>T (p.Arg1630Leu)

Gene: POLE (DNA polymerase epsilon, catalytic subunit; minus strand). Cytogenetic location: 12q24.33.
Variant type: single nucleotide variant.
Coding change: c.4889G>T on transcript NM_006231.4 (MANE Select); coding-DNA position 4889, G replaced by T.
Protein change: p.Arg1630Leu; replaces arginine 1630 with leucine.
Molecular consequence: missense variant.
Genome position (GRCh38, 1-based): chr12:132,642,569, C>A on the plus strand (G>T on the coding strand, the complement: POLE is on the minus strand). VCF-style: chr12-132642569-C-A. GRCh37 (hg19) VCF-style: chr12-133219155-C-A.
Other names: short protein forms R1630L.
Identifiers: ClinVar variation 850100 (VCV000850100.9), dbSNP rs750180239, ClinGen allele CA387378010.